The following is an entry in ClinVar:

ClinVar aggregate classification (germline): Uncertain significance (1 of 4 stars; one submission).

gnomAD v4.1: 1 of 1,536,442 alleles (0.000065%); highest among the groups gnomAD compares: Non-Finnish European, 0.000087%; no homozygotes.

Submission:

Labcorp Genetics (formerly Invitae), Labcorp
Classification: Uncertain significance. Last evaluated: 2022-08-22. Review status: criteria provided, single submitter. Criteria: Invitae Variant Classification Sherloc (09022015). Collection method: clinical testing. Allele origin: germline.
Comment: This variant is not present in population databases (gnomAD no frequency). This sequence change replaces glycine, which is neutral and non-polar, with valine, which is neutral and non-polar, at codon 2089 of the SPEG protein (p.Gly2089Val). This variant has not been reported in the literature in individuals affected with SPEG-related conditions. Algorithms developed to predict the effect of missense changes on protein structure and function are either unavailable or do not agree on the potential impact of this missense change (SIFT: "Deleterious"; PolyPhen-2: "Possibly Damaging"; Align-GVGD: "Class C0"). In summary, the available evidence is currently insufficient to determine the role of this variant in disease. Therefore, it has been classified as a Variant of Uncertain Significance.

NM_005876.5(SPEG):c.6266G>T (p.Gly2089Val)

Genes: ASIC4-AS1 (ASIC4 antisense RNA 1; minus strand), SPEG (striated muscle enriched protein kinase; plus strand). Cytogenetic location: 2q35.
Variant type: single nucleotide variant.
Coding change: c.6266G>T on transcript NM_005876.5 (MANE Select); coding-DNA position 6266, G replaced by T.
Protein change: p.Gly2089Val; replaces glycine 2089 with valine.
Molecular consequence: missense variant.
Genome position (GRCh38, 1-based): chr2:219,483,729, G>T. VCF-style: chr2-219483729-G-T. GRCh37 (hg19) VCF-style: chr2-220348451-G-T.
Other names: short protein forms G2089V.
Identifiers: ClinVar variation 1717571 (VCV001717571.5), dbSNP rs1373427119, ClinGen allele CA350697270.